The following is an entry in ClinVar:

ClinVar aggregate classification (germline): Uncertain significance. Review status: criteria provided, multiple submitters, no conflicts (2 of 4 stars). 2 submissions from 2 submitters: Uncertain significance (2). Last evaluated 2025-07-29.

Conditions:
Combined immunodeficiency due to ORAI1 deficiency. Also called: IMMUNODEFICIENCY 9. Identifiers: Orphanet 169090, Orphanet 317428, MedGen C2748568, MONDO:0013007, OMIM 612782.
Myopathy, tubular aggregate, 2 (TAM2). Identifiers: MedGen C4014557, MONDO:0014383, OMIM 615883.

Submissions (2):

Labcorp Genetics (formerly Invitae), Labcorp
Classification: Uncertain significance for Myopathy, tubular aggregate, 2; Combined immunodeficiency due to ORAI1 deficiency. Last evaluated: 2025-07-29. Review status: criteria provided, single submitter. Criteria: Invitae Variant Classification Sherloc (09022015). Collection method: clinical testing. Allele origin: germline.
Comment: This sequence change creates a premature translational stop signal (p.Arg289Thrfs*7) in the ORAI1 gene. While this is not anticipated to result in nonsense mediated decay, it is expected to disrupt the last 13 amino acid(s) of the ORAI1 protein. This variant is not present in population databases (gnomAD no frequency). This variant has not been reported in the literature in individuals affected with ORAI1-related conditions. ClinVar contains an entry for this variant (Variation ID: 1515011). Experimental studies and prediction algorithms are not available or were not evaluated, and the functional significance of this variant is currently unknown. In summary, the available evidence is currently insufficient to determine the role of this variant in disease. Therefore, it has been classified as a Variant of Uncertain Significance.

Dasa
Classification: Uncertain significance. Last evaluated: 2024-12-05. Review status: criteria provided, single submitter. Criteria: DASA Assertion Criteria. Collection method: clinical testing. Allele origin: germline.
Comment: NM_032790.3(ORAI1):c.864_865dup (p.Arg289Thrfs*7) is a frameshift variant in ORAI1 predicted to alter the reading frame and introduce a premature termination codon and is predicted to result in an absent or altered protein product. Loss of function is an established disease mechanism for ORAI1-associated disorders. Also, this variant is absent from population databases. The currently available literature and clinical evidence are not sufficient to establish a definitive association between this variant and the reported condition. Therefore, this variant is classified as a variant of uncertain significance.

NM_032790.4(ORAI1):c.862_863CA[3] (p.Arg289Thrfs)

Gene: ORAI1 (ORAI calcium release-activated calcium modulator 1; plus strand). Cytogenetic location: 12q24.31.
Variant type: Microsatellite.
Coding change: c.862_863CA[3] on transcript NM_032790.4 (MANE Select).
Protein change: p.Arg289Thrfs; shifts the reading frame from arginine 289.
Genome position: GRCh38 VCF-style: chr12-121641598-C-CCA. GRCh37 (hg19) VCF-style: chr12-122079504-C-CCA.
Other names: short protein forms R289fs.
Identifiers: ClinVar variation 1515011 (VCV001515011.8), dbSNP rs1194726675, ClinGen allele CA684510375.